The following is an entry in ClinVar:

NM_001009944.3(PKD1):c.3768G>A (p.Pro1256=)

Gene: PKD1 (polycystin 1, transient receptor potential channel interacting; minus strand). Cytogenetic location: 16p13.3.
Variant type: single nucleotide variant.
Coding change: c.3768G>A on transcript NM_001009944.3 (MANE Select); coding-DNA position 3768, G replaced by A.
Protein change: p.Pro1256=; no amino-acid change (proline 1256 retained).
Molecular consequence: synonymous variant.
Genome position (GRCh38, 1-based): chr16:2,111,399, C>T on the plus strand (G>A on the coding strand, the complement: PKD1 is on the minus strand). VCF-style: chr16-2111399-C-T. GRCh37 (hg19) VCF-style: chr16-2161400-C-T.
Other names: c.3768G>A, p.Pro1256= (NM_000296.4).
Identifiers: ClinVar variation 3058317 (VCV003058317.3), dbSNP rs770836714, ClinGen allele CA7832638.
Genomic context (GRCh38, chr16:2,111,399, plus strand): 5'-CGCACCCACGGTCACTGTGCAGTTCTGTGCCCGCAGGTACACATGCTCCACTGTTGCCTC[C>T]GGGCCCGACAGCACGGTGCCGTCCCCCATGTCGAAGGTCCACGTGATGTTGTCGCCCGTC-3'
Protein context (NP_001009944.3, residues 1246-1266): DMGDGTVLSG[Pro1256=]EATVEHVYLR

ClinVar aggregate classification (germline): Uncertain significance. Review status: criteria provided, single submitter (1 of 4 stars). 2 submissions from 2 submitters: Uncertain significance (1). 1 of the submissions does not count toward it. Last evaluated 2024-01-24.

Conditions:
PKD1-related disorder. Also called: PKD1-related condition.
Polycystic kidney disease, adult type (PKD1). Also called: Polycystic Kidney, Autosomal Dominant; POLYCYSTIC KIDNEY DISEASE 1 WITH OR WITHOUT POLYCYSTIC LIVER DISEASE; Polycystic Kidney Disease 1, Autosomal Dominant; Polycystic kidney disease 1; Polycystic kidney disease 1, severe; POLYCYSTIC KIDNEY DISEASE, ADULT, TYPE I. Identifiers: MedGen C3149841, MONDO:0008263, OMIM 173900.

Allele frequency attached by ClinVar (database versions not stated): gnomAD exomes 0.00001; ExAC 0.00003; gnomAD 0.00003; TOPMed 0.00004.
gnomAD v4.1: 19 of 1,611,524 alleles (0.0012%); highest among the groups gnomAD compares: Admixed American, 0.005%; no homozygotes.

Submissions (2):

Fulgent Genetics
Classification: Uncertain significance for Polycystic kidney disease, adult type. Last evaluated: 2024-01-24. Review status: criteria provided, single submitter. Criteria: ACMG Guidelines, 2015. Collection method: clinical testing. Allele origin: germline.

PreventionGenetics, part of Exact Sciences
Classification: Likely benign for PKD1-related condition. Last evaluated: 2023-05-09. Review status: no assertion criteria provided. Collection method: clinical testing. Allele origin: germline. Not counted in ClinVar's aggregate classification.
Comment: This variant is classified as likely benign based on ACMG/AMP sequence variant interpretation guidelines (Richards et al. 2015 PMID: 25741868, with internal and published modifications).